The following is an entry in ClinVar:

NM_004465.2(FGF10):c.10T>C (p.Trp4Arg)

Gene: FGF10 (fibroblast growth factor 10; minus strand). Cytogenetic location: 5p12.
Variant type: single nucleotide variant.
Coding change: c.10T>C on transcript NM_004465.2 (MANE Select); coding-DNA position 10, T replaced by C.
Protein change: p.Trp4Arg; replaces tryptophan 4 with arginine.
Molecular consequence: missense variant.
Genome position (GRCh38, 1-based): chr5:44,388,673, A>G on the plus strand (T>C on the coding strand, the complement: FGF10 is on the minus strand). VCF-style: chr5-44388673-A-G. GRCh37 (hg19) VCF-style: chr5-44388775-A-G.
Other names: short protein forms W4R.
Identifiers: ClinVar variation 1516807 (VCV001516807.8), dbSNP rs2111941241, ClinGen allele CA359699857.

ClinVar aggregate classification (germline): Uncertain significance (1 of 4 stars; one submission).

Submission:

Labcorp Genetics (formerly Invitae), Labcorp
Classification: Uncertain significance. Last evaluated: 2022-10-18. Review status: criteria provided, single submitter. Criteria: Invitae Variant Classification Sherloc (09022015). Collection method: clinical testing. Allele origin: germline.
Comment: This sequence change replaces tryptophan, which is neutral and slightly polar, with arginine, which is basic and polar, at codon 4 of the FGF10 protein (p.Trp4Arg). This variant is not present in population databases (gnomAD no frequency). This variant has not been reported in the literature in individuals affected with FGF10-related conditions. ClinVar contains an entry for this variant (Variation ID: 1516807). Algorithms developed to predict the effect of missense changes on protein structure and function are either unavailable or do not agree on the potential impact of this missense change (SIFT: "Tolerated"; PolyPhen-2: "Probably Damaging"; Align-GVGD: "Class C0"). In summary, the available evidence is currently insufficient to determine the role of this variant in disease. Therefore, it has been classified as a Variant of Uncertain Significance.